The following is an entry in ClinVar:

NM_152743.4(BRAT1):c.1483C>T (p.Pro495Ser)

Gene: BRAT1 (BRCA1 associated ATM activator 1; minus strand). Cytogenetic location: 7p22.3.
Variant type: single nucleotide variant.
Coding change: c.1483C>T on transcript NM_152743.4 (MANE Select); coding-DNA position 1483, C replaced by T.
Protein change: p.Pro495Ser; replaces proline 495 with serine.
Molecular consequence: missense variant. On other transcripts: non-coding transcript variant (1).
Genome position (GRCh38, 1-based): chr7:2,539,801, G>A on the plus strand (C>T on the coding strand, the complement: BRAT1 is on the minus strand). VCF-style: chr7-2539801-G-A. GRCh37 (hg19) VCF-style: chr7-2579435-G-A.
Other names: c.1483C>T, p.Pro495Ser (NM_001350626.2); c.958C>T, p.Pro320Ser (NM_001350627.2); short protein forms P320S, P495S.
Identifiers: ClinVar variation 978552 (VCV000978552.8), dbSNP rs1354679314, ClinGen allele CA366628091.
Genomic context (GRCh38, chr7:2,539,801, plus strand): 5'-CCCTGCGACTCCAGCTCCGTTCACCCCTGCAAGGGGCTGCGTTACCTCTGAGGAACTGCG[G>A]GATGAGGGGGCCGAGATCAGAGCAGCCGGGGGTCTTGGGTGAGCTCAGGAGCCACCTGAG-3'
Protein context (NP_689956.2, residues 485-505): PGCSDLGPLI[Pro495Ser]QFLRELFPVL

ClinVar aggregate classification (germline): Uncertain significance (1 of 4 stars; one submission).

Conditions:
Neonatal-onset encephalopathy with rigidity and seizures. Also called: Lethal neonatal spasticity-epileptic encephalopathy syndrome. Identifiers: Orphanet 435845, MedGen C3281029, MONDO:0013784, OMIM 614498.

gnomAD v4.1: 1 of 1,611,954 alleles (0.000062%); highest among the groups gnomAD compares: South Asian, 0.0011%; no homozygotes.

Submission:

Labcorp Genetics (formerly Invitae), Labcorp
Classification: Uncertain significance for Neonatal-onset encephalopathy with rigidity and seizures. Last evaluated: 2019-07-30. Review status: criteria provided, single submitter. Criteria: Invitae Variant Classification Sherloc (09022015). Collection method: clinical testing. Allele origin: germline.
Comment: This sequence change replaces proline with serine at codon 495 of the BRAT1 protein (p.Pro495Ser). The proline residue is weakly conserved and there is a moderate physicochemical difference between proline and serine. This variant is not present in population databases (ExAC no frequency). This variant has not been reported in the literature in individuals with BRAT1-related conditions. Algorithms developed to predict the effect of missense changes on protein structure and function (SIFT, PolyPhen-2, Align-GVGD) all suggest that this variant is likely to be tolerated, but these predictions have not been confirmed by published functional studies and their clinical significance is uncertain. In summary, the available evidence is currently insufficient to determine the role of this variant in disease. Therefore, it has been classified as a Variant of Uncertain Significance.